The following is an entry in ClinVar:

ClinVar aggregate classification (germline): Pathogenic (1 of 4 stars; one submission).

Conditions:
Severe myoclonic epilepsy in infancy (DRVT). Also called: Epileptic encephalopathy, early infantile, 6 (Dravet syndrome); SEVERE MYOCLONIC EPILEPSY OF INFANCY; DEVELOPMENTAL AND EPILEPTIC ENCEPHALOPATHY 6A; Severe Myoclonic Epilepsy in Infancy (SMEI); Dravet syndrome. Identifiers: Orphanet 33069, MedGen C0751122, MONDO:0100135, OMIM 607208.

Submission:

3billion
Classification: Pathogenic for Severe myoclonic epilepsy in infancy. Last evaluated: 2022-09-01. Review status: criteria provided, single submitter. Criteria: ACMG Guidelines, 2015. Collection method: clinical testing. Allele origin: germline. Affected: yes. Observed: 1 heterozygote.
Comment: The variant is not observed in the gnomAD v2.1.1 dataset. Stop-gained (nonsense) is predicted to result in a loss or disruption of normal protein function through nonsense-mediated decay (NMD) or protein truncation. Multiple pathogenic variants are reported downstream of the variant. The variant has been reported to be associated with SCN1A -related disorder (PMID: 21248271). Therefore, this variant is classified as Pathogenic according to the recommendation of ACMG/AMP guideline.

Literature cited by the submitters: PubMed 21248271.

NM_001165963.4(SCN1A):c.835C>T (p.Gln279Ter)

Gene: SCN1A (sodium voltage-gated channel alpha subunit 1; minus strand). Cytogenetic location: 2q24.3.
Variant type: single nucleotide variant.
Coding change: c.835C>T on transcript NM_001165963.4 (MANE Select); coding-DNA position 835, C replaced by T.
Protein change: p.Gln279Ter; replaces glutamine 279 with a stop codon.
Molecular consequence: nonsense. On other transcripts: 5 prime UTR variant (1), non-coding transcript variant (1).
Genome position (GRCh38, 1-based): chr2:166,051,848, G>A on the plus strand (C>T on the coding strand, the complement: SCN1A is on the minus strand). VCF-style: chr2-166051848-G-A. GRCh37 (hg19) VCF-style: chr2-166908358-G-A.
Other names: c.835C>T, p.Gln279Ter (NM_001165964.3, NM_001202435.3, NM_001353948.2 and 10 more transcripts); c.-1591C>T (NM_001353961.2); short protein forms Q279*.
Identifiers: ClinVar variation 1705452 (VCV001705452.1), dbSNP rs1553549679, ClinGen allele CA349073058.